The following is an entry in ClinVar:

ClinVar aggregate classification (germline): Pathogenic. Review status: criteria provided, multiple submitters, no conflicts (2 of 4 stars). 2 submissions from 2 submitters: Pathogenic (2). Last evaluated 2022-07-12.

Conditions:
Hereditary breast ovarian cancer syndrome. Also called: Hereditary breast and ovarian cancer syndrome; Hereditary breast and/or ovarian cancer syndrome; Breast and ovarian cancer; BRCA1- and BRCA2-Associated Hereditary Breast and Ovarian Cancer; Hereditary breast and ovarian cancer; Hereditary breast and ovarian cancer syndrome (HBOC). Identifiers: Orphanet 145, MedGen C0677776, MeSH D061325, MONDO:0003582. Disease mechanism: loss of function.
Breast-ovarian cancer, familial, susceptibility to, 2 (BROVCA2). Also called: BRCA2 Hereditary Breast and Ovarian Cancer. Identifiers: Orphanet 145, MedGen C2675520, MONDO:0012933, OMIM 612555. Disease mechanism: loss of function.

Submissions (2):

Labcorp Genetics (formerly Invitae), Labcorp
Classification: Pathogenic for Hereditary breast ovarian cancer syndrome. Last evaluated: 2022-07-12. Review status: criteria provided, single submitter. Criteria: Invitae Variant Classification Sherloc (09022015). Collection method: clinical testing. Allele origin: germline.
Comment: For these reasons, this variant has been classified as Pathogenic. ClinVar contains an entry for this variant (Variation ID: 646151). This premature translational stop signal has been observed in individual(s) with breast cancer (PMID: 33606809). This variant is not present in population databases (gnomAD no frequency). This sequence change creates a premature translational stop signal (p.Lys838*) in the BRCA2 gene. It is expected to result in an absent or disrupted protein product. Loss-of-function variants in BRCA2 are known to be pathogenic (PMID: 20104584).

Mendelics
Classification: Pathogenic for Breast-ovarian cancer, familial, susceptibility to, 2. Last evaluated: 2019-05-28. Review status: criteria provided, single submitter. Criteria: Mendelics Assertion Criteria 2017. Collection method: clinical testing. Allele origin: unknown.

Literature cited by the submitters: PubMed 33606809 (cited by Labcorp Genetics (formerly Invitae), Labcorp); PubMed 20104584 (cited by Labcorp Genetics (formerly Invitae), Labcorp).

NM_000059.4(BRCA2):c.2512A>T (p.Lys838Ter)

Gene: BRCA2 (BRCA2 DNA repair associated; plus strand). Cytogenetic location: 13q13.1.
Variant type: single nucleotide variant.
Coding change: c.2512A>T on transcript NM_000059.4 (MANE Select); coding-DNA position 2512, A replaced by T.
Protein change: p.Lys838Ter; replaces lysine 838 with a stop codon.
Molecular consequence: nonsense.
Genome position (GRCh38, 1-based): chr13:32,336,867, A>T. VCF-style: chr13-32336867-A-T. GRCh37 (hg19) VCF-style: chr13-32911004-A-T.
Other names: short protein forms K838*.
Identifiers: ClinVar variation 646151 (VCV000646151.8), dbSNP rs747578057, ClinGen allele CA387772446.